The following is an entry in ClinVar:

ClinVar aggregate classification (germline): Uncertain significance (1 of 4 stars; one submission).

Conditions:
Candidiasis, familial, 6 (CANDF6). Also called: Candidiasis, familial, 6, autosomal dominant. Identifiers: Orphanet 1334, MedGen C3151405, MONDO:0013503, OMIM 613956.

Allele frequency attached by ClinVar (database versions not stated): TOPMed 0.00001; gnomAD 0.00001.

Submission:

Labcorp Genetics (formerly Invitae), Labcorp
Classification: Uncertain significance for Candidiasis, familial, 6. Last evaluated: 2019-11-03. Review status: criteria provided, single submitter. Criteria: Invitae Variant Classification Sherloc (09022015). Collection method: clinical testing. Allele origin: germline.
Comment: In summary, the available evidence is currently insufficient to determine the role of this variant in disease. Therefore, it has been classified as a Variant of Uncertain Significance. Algorithms developed to predict the effect of missense changes on protein structure and function output the following: SIFT: "Tolerated"; PolyPhen-2: "Benign"; Align-GVGD: "Class C0". The histidine amino acid residue is found in multiple mammalian species, suggesting that this missense change does not adversely affect protein function. These predictions have not been confirmed by published functional studies and their clinical significance is uncertain. This variant has not been reported in the literature in individuals with IL17F-related conditions. This variant is not present in population databases (ExAC no frequency). This sequence change replaces glutamine with histidine at codon 163 of the IL17F protein (p.Gln163His). The glutamine residue is weakly conserved and there is a small physicochemical difference between glutamine and histidine.

NM_052872.4(IL17F):c.489G>C (p.Gln163His)

Gene: IL17F (interleukin 17F; minus strand). Cytogenetic location: 6p12.2.
Variant type: single nucleotide variant.
Coding change: c.489G>C on transcript NM_052872.4 (MANE Select); coding-DNA position 489, G replaced by C.
Protein change: p.Gln163His; replaces glutamine 163 with histidine.
Molecular consequence: missense variant.
Genome position (GRCh38, 1-based): chr6:52,236,934, C>G on the plus strand (G>C on the coding strand, the complement: IL17F is on the minus strand). VCF-style: chr6-52236934-C-G. GRCh37 (hg19) VCF-style: chr6-52101732-C-G.
Other names: short protein forms Q163H.
Identifiers: ClinVar variation 959862 (VCV000959862.9), dbSNP rs1169477692, ClinGen allele CA364444023.